The following is an entry in ClinVar:

ClinVar aggregate classification (germline): Benign (1 of 4 stars; one submission).

Allele frequency attached by ClinVar (database versions not stated): 1000 Genomes Project 0.00060; 1000 Genomes Project 30x 0.00078; TOPMed 0.00103; gnomAD 0.00109; gnomAD exomes 0.00131.
gnomAD v4.1: 477 of 398,388 alleles (0.12%); highest among the groups gnomAD compares: Non-Finnish European, 0.19%; no homozygotes.

Submission:

CeGaT Center for Human Genetics Tuebingen
Classification: Benign. Last evaluated: 2026-09-01. Review status: criteria provided, single submitter. Criteria: CeGaT Center For Human Genetics Tuebingen Variant Classification Criteria Version 2. Collection method: clinical testing. Allele origin: germline. Affected: yes. Observed: 11 variant alleles.
Comment: KCNQ1OT1: BS1, BS2

NM_000218.3(KCNQ1):c.1393+30231C>T

Genes: KCNQ1 (potassium voltage-gated channel subfamily Q member 1; plus strand), KCNQ1OT1 (KCNQ1 opposite strand/antisense transcript 1; minus strand). Cytogenetic location: 11p15.5.
Variant type: single nucleotide variant.
Coding change: c.1393+30231C>T on transcript NM_000218.3 (MANE Select); 30231 bases into the intron after coding-DNA position 1393, C replaced by T.
Molecular consequence: intron variant.
Genome position (GRCh38, 1-based): chr11:2,619,085, C>T. VCF-style: chr11-2619085-C-T. GRCh37 (hg19) VCF-style: chr11-2640315-C-T.
Other names: c.1123+30231C>T (NM_001406837.1); c.1297+30231C>T (NM_001406836.1); c.853+30231C>T (NM_001406838.1); c.1012+30231C>T (NM_181798.2).
Identifiers: ClinVar variation 1879164 (VCV001879164.29), dbSNP rs554922423, ClinGen allele CA216361336.